The following is an entry in ClinVar:

NM_003482.4(KMT2D):c.12143C>T (p.Pro4048Leu)

Gene: KMT2D (lysine methyltransferase 2D; minus strand). Cytogenetic location: 12q13.12.
Variant type: single nucleotide variant.
Coding change: c.12143C>T on transcript NM_003482.4 (MANE Select); coding-DNA position 12143, C replaced by T.
Protein change: p.Pro4048Leu; replaces proline 4048 with leucine.
Molecular consequence: missense variant.
Genome position (GRCh38, 1-based): chr12:49,032,562, G>A on the plus strand (C>T on the coding strand, the complement: KMT2D is on the minus strand). VCF-style: chr12-49032562-G-A. GRCh37 (hg19) VCF-style: chr12-49426345-G-A.
Other names: c.12143C>T (NM_003482.3); short protein forms P4048L.
Identifiers: ClinVar variation 1411661 (VCV001411661.7), dbSNP rs527255553, ClinGen allele CA6546238.

ClinVar aggregate classification (germline): Conflicting classifications of pathogenicity. Review status: criteria provided, conflicting classifications (1 of 4 stars). 2 submissions from 2 submitters: Uncertain significance (1); Benign (1). Last evaluated 2025-11-05.

Conditions:
KMT2D-related disorder. Also called: KMT2D-Related Disorders.
Kabuki syndrome. Also called: Kabuki make-up syndrome; NIIKAWA-KUROKI SYNDROME. Identifiers: Orphanet 2322, MedGen C0796004, MONDO:0016512.

Allele frequency attached by ClinVar (database versions not stated): gnomAD 0.00001; TOPMed 0.00002; ExAC 0.00003; 1000 Genomes Project 30x 0.00016; 1000 Genomes Project 0.00020.
gnomAD v4.1: 24 of 1,612,944 alleles (0.0015%); highest among the groups gnomAD compares: Middle Eastern, 0.066%; no homozygotes.

Submissions (2):

Labcorp Genetics (formerly Invitae), Labcorp
Classification: Benign for Kabuki syndrome. Last evaluated: 2025-11-05. Review status: criteria provided, single submitter. Criteria: Invitae Variant Classification Sherloc (09022015). Collection method: clinical testing. Allele origin: germline.

PreventionGenetics, part of Exact Sciences
Classification: Uncertain significance for KMT2D-related condition. Last evaluated: 2024-11-07. Review status: criteria provided, single submitter. Criteria: ACMG Guidelines, 2015. Collection method: clinical testing. Allele origin: germline.
Comment: The KMT2D c.12143C>T variant is predicted to result in the amino acid substitution p.Pro4048Leu. To our knowledge, this variant has not been reported in the literature. This variant is reported in 0.017% of alleles in individuals of East Asian descent in gnomAD. Although we suspect that this variant may be benign, at this time, the clinical significance of this variant is uncertain due to the absence of conclusive functional and genetic evidence.